The following is an entry in ClinVar:

NM_000038.6(APC):c.8298C>A (p.Ser2766Arg)

Gene: APC (APC regulator of Wnt signaling pathway; plus strand). Cytogenetic location: 5q22.2.
Variant type: single nucleotide variant.
Coding change: c.8298C>A on transcript NM_000038.6 (MANE Select); coding-DNA position 8298, C replaced by A.
Protein change: p.Ser2766Arg; replaces serine 2766 with arginine.
Molecular consequence: missense variant.
Genome position (GRCh38, 1-based): chr5:112,843,892, C>A. VCF-style: chr5-112843892-C-A. GRCh37 (hg19) VCF-style: chr5-112179589-C-A.
Other names: c.8298C>A, p.Ser2766Arg (NM_001127510.3, NM_001354895.2); c.8244C>A, p.Ser2748Arg (NM_001127511.3); c.8352C>A, p.Ser2784Arg (NM_001354896.2); c.8328C>A, p.Ser2776Arg (NM_001354897.2); c.8223C>A, p.Ser2741Arg (NM_001354898.2); c.8214C>A, p.Ser2738Arg (NM_001354899.2); c.8175C>A, p.Ser2725Arg (NM_001354900.2); c.8121C>A, p.Ser2707Arg (NM_001354901.2); and 5 more; short protein forms S2738R, S2606R, S2675R, S2725R, S2640R, S2665R, S2748R, S2776R.
Identifiers: ClinVar variation 645996 (VCV000645996.13), dbSNP rs876658523, ClinGen allele CA16039336.

ClinVar aggregate classification (germline): Uncertain significance. Review status: criteria provided, multiple submitters, no conflicts (2 of 4 stars). 2 submissions from 2 submitters: Uncertain significance (2). Last evaluated 2025-08-21.

Conditions:
Hereditary cancer-predisposing syndrome. Also called: Hereditary Cancer Syndrome; Tumor predisposition; Hereditary neoplastic syndrome; Neoplastic Syndromes, Hereditary. Identifiers: Orphanet 140162, MedGen C0027672, MeSH D009386, MONDO:0015356.
Familial adenomatous polyposis 1 (FAP1). Also called: FAMILIAL ADENOMATOUS POLYPOSIS 1, ATTENUATED; POLYPOSIS, ADENOMATOUS INTESTINAL. Identifiers: MedGen C2713442, MONDO:0021056, OMIM 175100. Disease mechanism: loss of function.

Submissions (2):

Ambry Genetics
Classification: Uncertain significance for Hereditary cancer-predisposing syndrome. Last evaluated: 2025-08-21. Review status: criteria provided, single submitter. Criteria: Ambry Variant Classification Scheme 2023. Collection method: clinical testing. Allele origin: germline.
Comment: The p.S2766R variant (also known as c.8298C>A), located in coding exon 15 of the APC gene, results from a C to A substitution at nucleotide position 8298. The serine at codon 2766 is replaced by arginine, an amino acid with dissimilar properties. This amino acid position is well conserved in available vertebrate species. In addition, in silico predictors for this gene do not accurately predict pathogenicity. Missense alterations in APC are not a common cause of disease (Spier I et al. Genet Med. 2024 Feb;26(2):100992). Based on the available evidence, the clinical significance of this variant remains unclear.

Labcorp Genetics (formerly Invitae), Labcorp
Classification: Uncertain significance for Familial adenomatous polyposis 1. Last evaluated: 2024-05-22. Review status: criteria provided, single submitter. Criteria: Invitae Variant Classification Sherloc (09022015). Collection method: clinical testing. Allele origin: germline.
Comment: This sequence change replaces serine, which is neutral and polar, with arginine, which is basic and polar, at codon 2766 of the APC protein (p.Ser2766Arg). This variant is not present in population databases (gnomAD no frequency). This variant has not been reported in the literature in individuals affected with APC-related conditions. ClinVar contains an entry for this variant (Variation ID: 645996). Advanced modeling of protein sequence and biophysical properties (such as structural, functional, and spatial information, amino acid conservation, physicochemical variation, residue mobility, and thermodynamic stability) performed at Invitae indicates that this missense variant is not expected to disrupt APC protein function with a negative predictive value of 95%. In summary, the available evidence is currently insufficient to determine the role of this variant in disease. Therefore, it has been classified as a Variant of Uncertain Significance.